The following is an entry in ClinVar:

NM_001378778.1(MPDZ):c.1290+4A>T

Gene: MPDZ (multiple PDZ domain crumbs cell polarity complex component; minus strand). Cytogenetic location: 9p23.
Variant type: single nucleotide variant.
Coding change: c.1290+4A>T on transcript NM_001378778.1 (MANE Select); 4 bases into the intron after coding-DNA position 1290, A replaced by T.
Molecular consequence: intron variant.
Genome position (GRCh38, 1-based): chr9:13,216,770, T>A on the plus strand (A>T on the coding strand, the complement: MPDZ is on the minus strand). VCF-style: chr9-13216770-T-A. GRCh37 (hg19) VCF-style: chr9-13216769-T-A.
Other names: c.1290+4A>T (NM_001375425.1, NM_001375420.1, NM_001375419.1 and 14 more transcripts).
Identifiers: ClinVar variation 2003947 (VCV002003947.4), dbSNP rs2497005526, ClinGen allele CA2580079240.
Genomic context (GRCh38, chr9:13,216,770, plus strand): 5'-AACTAGGAGAATACAATTCTCAACCATGAAAATTAACAAAGCTATTGTTAAATGTGTAAC[T>A]TACTGCTATAATTTGGTCTCCAATTTGGATTCTTCCATCATGCTCAACGGCACTGCTTTT-3'

ClinVar aggregate classification (germline): Uncertain significance (1 of 4 stars; one submission).

Allele frequency attached by ClinVar (database versions not stated): gnomAD exomes below 0.00001.
gnomAD v4.1: 1 of 1,592,146 alleles (0.000063%); highest among the groups gnomAD compares: Non-Finnish European, 0.000086%; no homozygotes.

Submission:

Labcorp Genetics (formerly Invitae), Labcorp
Classification: Uncertain significance. Last evaluated: 2022-06-17. Review status: criteria provided, single submitter. Criteria: Invitae Variant Classification Sherloc (09022015). Collection method: clinical testing. Allele origin: germline.
Comment: This variant has not been reported in the literature in individuals affected with MPDZ-related conditions. This variant is not present in population databases (gnomAD no frequency). This sequence change falls in intron 10 of the MPDZ gene. It does not directly change the encoded amino acid sequence of the MPDZ protein. It affects a nucleotide within the consensus splice site. Variants that disrupt the consensus splice site are a relatively common cause of aberrant splicing (PMID: 17576681, 9536098). Algorithms developed to predict the effect of sequence changes on RNA splicing suggest that this variant may disrupt the consensus splice site. In summary, the available evidence is currently insufficient to determine the role of this variant in disease. Therefore, it has been classified as a Variant of Uncertain Significance.

Literature cited by the submitters: PubMed 17576681; PubMed 9536098.